The following is an entry in ClinVar:

ClinVar aggregate classification (germline): Uncertain significance (1 of 4 stars; one submission).

Conditions:
Short-rib thoracic dysplasia 10 with or without polydactyly (SRTD10). Identifiers: Orphanet 474, MedGen C3810175, MONDO:0014284, OMIM 615630.
Retinitis pigmentosa 71 (RP71). Identifiers: Orphanet 791, MedGen C4225342, MONDO:0014618, OMIM 616394.

gnomAD v4.1: 1 of 1,612,810 alleles (0.000062%); highest among the groups gnomAD compares: South Asian, 0.0011%; no homozygotes.

Submission:

Labcorp Genetics (formerly Invitae), Labcorp
Classification: Uncertain significance for Retinitis pigmentosa 71; Short-rib thoracic dysplasia 10 with or without polydactyly. Last evaluated: 2024-03-14. Review status: criteria provided, single submitter. Criteria: Invitae Variant Classification Sherloc (09022015). Collection method: clinical testing. Allele origin: germline.
Comment: This sequence change replaces valine, which is neutral and non-polar, with methionine, which is neutral and non-polar, at codon 853 of the IFT172 protein (p.Val853Met). This variant is not present in population databases (gnomAD no frequency). This variant has not been reported in the literature in individuals affected with IFT172-related conditions. Advanced modeling of protein sequence and biophysical properties (such as structural, functional, and spatial information, amino acid conservation, physicochemical variation, residue mobility, and thermodynamic stability) performed at Invitae indicates that this missense variant is expected to disrupt IFT172 protein function with a positive predictive value of 80%. In summary, the available evidence is currently insufficient to determine the role of this variant in disease. Therefore, it has been classified as a Variant of Uncertain Significance.

NM_015662.3(IFT172):c.2557G>A (p.Val853Met)

Genes: IFT172 (intraflagellar transport 172; minus strand), LOC126806174 (CDK7 strongly-dependent group 2 enhancer GRCh37_chr2:27681686-27682885; plus strand). Cytogenetic location: 2p23.3.
Variant type: single nucleotide variant.
Coding change: c.2557G>A on transcript NM_015662.3 (MANE Select); coding-DNA position 2557, G replaced by A.
Protein change: p.Val853Met; replaces valine 853 with methionine.
Molecular consequence: missense variant.
Genome position (GRCh38, 1-based): chr2:27,459,794, C>T on the plus strand (G>A on the coding strand, the complement: IFT172 is on the minus strand). VCF-style: chr2-27459794-C-T. GRCh37 (hg19) VCF-style: chr2-27682661-C-T.
Other names: c.2491G>A, p.Val831Met (NM_001410739.1); short protein forms V831M, V853M.
Identifiers: ClinVar variation 3753271 (VCV003753271.2).